The following is an entry in ClinVar:

ClinVar aggregate classification (germline): Likely benign. Review status: criteria provided, multiple submitters, no conflicts (2 of 4 stars). 4 submissions from 3 submitters: Likely benign (4). Last evaluated 2023-11-04.

Conditions:
Usher syndrome type 2A. Also called: USHER SYNDROME, TYPE IIA; RETINAL DISEASE IN USHER SYNDROME TYPE IIA, MODIFIER OF. Identifiers: Orphanet 231178, Orphanet 886, MedGen C1848634, MONDO:0010169, OMIM 276901.
Retinitis pigmentosa 39 (RP39). Identifiers: Orphanet 791, MedGen C3151138, MONDO:0013436, OMIM 613809.

Allele frequency attached by ClinVar (database versions not stated): gnomAD exomes below 0.00001; gnomAD 0.00001.
gnomAD v4.1: 2 of 1,614,044 alleles (0.00012%); highest among the groups gnomAD compares: South Asian, 0.0011%; no homozygotes.

Submissions (4):

Genome-Nilou Lab
Classification: Likely benign for Retinitis pigmentosa 39. Last evaluated: 2023-11-04. Review status: criteria provided, single submitter. Criteria: ACMG Guidelines, 2015. Collection method: clinical testing. Allele origin: germline. Affected: no.

Genome-Nilou Lab
Classification: Likely benign for Usher syndrome type 2A. Last evaluated: 2023-11-04. Review status: criteria provided, single submitter. Criteria: ACMG Guidelines, 2015. Collection method: clinical testing. Allele origin: germline. Affected: no.

CeGaT Center for Human Genetics Tuebingen
Classification: Likely benign. Last evaluated: 2023-07-01. Review status: criteria provided, single submitter. Criteria: CeGaT Center For Human Genetics Tuebingen Variant Classification Criteria Version 2. Collection method: clinical testing. Allele origin: germline. Affected: yes. Observed: 1 variant allele.
Comment: USH2A: BP4, BP7

Labcorp Genetics (formerly Invitae), Labcorp
Classification: Likely benign. Last evaluated: 2022-09-13. Review status: criteria provided, single submitter. Criteria: Invitae Variant Classification Sherloc (09022015). Collection method: clinical testing. Allele origin: germline.

NM_206933.4(USH2A):c.7770A>G (p.Leu2590=)

Gene: USH2A (usherin; minus strand). Cytogenetic location: 1q41.
Variant type: single nucleotide variant.
Coding change: c.7770A>G on transcript NM_206933.4 (MANE Select); coding-DNA position 7770, A replaced by G.
Protein change: p.Leu2590=; no amino-acid change (leucine 2590 retained).
Molecular consequence: synonymous variant.
Genome position (GRCh38, 1-based): chr1:215,888,879, T>C on the plus strand (A>G on the coding strand, the complement: USH2A is on the minus strand). VCF-style: chr1-215888879-T-C. GRCh37 (hg19) VCF-style: chr1-216062221-T-C.
Identifiers: ClinVar variation 1662570 (VCV001662570.32), dbSNP rs1665138334, ClinGen allele CA423430797.
Genomic context (GRCh38, chr1:215,888,879, plus strand): 5'-AAGGGAACATCCTTTTGAAGTGCAGGCTTCTACCTGAAACTTATAGGCAGTGTATGGGTG[T>C]AAATGCATCACTGTGCAATTAGTGACATTTCCAGGAGTTCTCAAGTATAGACGGCCATGT-3'
Protein context (NP_996816.3, residues 2580-2600): GNVTNCTVMH[Leu2590=]HPYTAYKFQV